The following is an entry in ClinVar:

NM_001364501.2(DPP6):c.15C>T (p.Ala5=)

Gene: DPP6 (dipeptidyl peptidase like 6; plus strand). Cytogenetic location: 7q36.2.
Variant type: single nucleotide variant.
Coding change: c.15C>T on transcript NM_001364501.2; coding-DNA position 15, C replaced by T.
Protein change: p.Ala5=; no amino-acid change (alanine 5 retained).
Molecular consequence: synonymous variant. On other transcripts: non-coding transcript variant (1), intron variant (4).
Genome position (GRCh38, 1-based): chr7:153,887,698, C>T. VCF-style: chr7-153887698-C-T. GRCh37 (hg19) VCF-style: chr7-153584783-C-T.
Other names: c.15C>T, p.Ala5= (NM_001039350.3); c.60+138690C>T (NM_001364500.2, NM_001364499.2, NM_001364497.2 and 1 more transcripts).
Identifiers: ClinVar variation 3350375 (VCV003350375.1).

ClinVar aggregate classification (germline): Benign (0 of 4 stars; one submission).

Conditions:
DPP6-related disorder. Also called: DPP6-related condition.

gnomAD v4.1: 1,834 of 1,613,904 alleles (0.11%); highest among the groups gnomAD compares: East Asian, 3.6%; 34 homozygotes.

Submission:

PreventionGenetics, part of Exact Sciences
Classification: Benign for DPP6-related condition. Last evaluated: 2024-04-18. Review status: no assertion criteria provided. Collection method: clinical testing. Allele origin: germline.
Comment: This variant is classified as benign based on ACMG/AMP sequence variant interpretation guidelines (Richards et al. 2015 PMID: 25741868, with internal and published modifications).